The following is an entry in ClinVar:

ClinVar aggregate classification (germline): Likely benign (1 of 4 stars; one submission).

Conditions:
Familial isolated arrhythmogenic right ventricular dysplasia. Identifiers: Orphanet 217656, MedGen C4274968, MONDO:0016342.

Submission:

All of Us Research Program, National Institutes of Health
Classification: Likely benign for Familial isolated arrhythmogenic right ventricular dysplasia. Last evaluated: 2023-09-17. Review status: criteria provided, single submitter. Criteria: ACMG Guidelines, 2015. Collection method: clinical testing. Allele origin: germline. Inheritance: Autosomal dominant inheritance. Observed: 1 variant allele, 1 heterozygote.
Comment: This study involves interpretation of variants in research participants for the purpose of population health screening. Participant phenotype was not available at the time of variant classification. Additional details can be found in publication PMID: 35346344, PMCID: PMC8962531

NM_024422.6(DSC2):c.2319A>G (p.Gly773=)

Gene: DSC2 (desmocollin 2; minus strand). Cytogenetic location: 18q12.1.
Variant type: single nucleotide variant.
Coding change: c.2319A>G on transcript NM_024422.6 (MANE Select); coding-DNA position 2319, A replaced by G.
Protein change: p.Gly773=; no amino-acid change (glycine 773 retained).
Molecular consequence: synonymous variant.
Genome position (GRCh38, 1-based): chr18:31,069,083, T>C on the plus strand (A>G on the coding strand, the complement: DSC2 is on the minus strand). VCF-style: chr18-31069083-T-C. GRCh37 (hg19) VCF-style: chr18-28649049-T-C.
Other names: c.1890A>G, p.Gly630= (NM_001406506.1, NM_001406507.1); c.2319A>G, p.Gly773= (NM_004949.5).
Identifiers: ClinVar variation 3073377 (VCV003073377.1), dbSNP rs1986736902, ClinGen allele CA503384649.